The following is an entry in ClinVar:

NM_001113491.2(SEPTIN9):c.376G>A (p.Gly126Ser)

Gene: SEPTIN9 (septin 9; plus strand). Cytogenetic location: 17q25.3.
Variant type: single nucleotide variant.
Coding change: c.376G>A on transcript NM_001113491.2 (MANE Select); coding-DNA position 376, G replaced by A.
Protein change: p.Gly126Ser; replaces glycine 126 with serine.
Molecular consequence: missense variant. On other transcripts: 5 prime UTR variant (2).
Genome position (GRCh38, 1-based): chr17:77,402,358, G>A. VCF-style: chr17-77402358-G-A. GRCh37 (hg19) VCF-style: chr17-75398440-G-A.
Other names: c.-117G>A (NM_001113492.2, NM_001113494.1); c.355G>A, p.Gly119Ser (NM_001113493.2); c.319G>A, p.Gly107Ser (NM_001293695.2); c.322G>A, p.Gly108Ser (NM_006640.5); short protein forms G107S, G108S, G119S, G126S.
Identifiers: ClinVar variation 2445567 (VCV002445567.5), dbSNP rs757364290, ClinGen allele CA8793186.
Genomic context (GRCh38, chr17:77,402,358, plus strand): 5'-CGGCGCACTGAGCTGTCCATTGACATCTCGTCCAAGCAGGTGGAGAACGCCGGGGCCATC[G>A]GCCCGTCCCGGTTCGGGCTCAAGAGGGCCGAGGTGTTGGGCCACAAGACGCCAGAACCGG-3'
Protein context (NP_001106963.1, residues 116-136): SKQVENAGAI[Gly126Ser]PSRFGLKRAE

ClinVar aggregate classification (germline): Conflicting classifications of pathogenicity. Review status: criteria provided, conflicting classifications (1 of 4 stars). 2 submissions from 2 submitters: Uncertain significance (1); Likely benign (1). Last evaluated 2026-02-04.

Allele frequency attached by ClinVar (database versions not stated): ExAC 0.00004.
gnomAD v4.1: 11 of 1,612,350 alleles (0.00068%); highest among the groups gnomAD compares: South Asian, 0.0011%; no homozygotes.

Submissions (2):

Women's Health and Genetics/Laboratory Corporation of America, LabCorp
Classification: Likely benign. Last evaluated: 2026-02-04. Review status: criteria provided, single submitter. Criteria: LabCorp Variant Classification Summary - May 2015. Collection method: clinical testing. Allele origin: germline.
Comment: Variant summary: SEPTIN9 c.322G>A (p.Gly108Ser) results in a non-conservative amino acid change in the encoded protein sequence. Algorithms developed to predict the effect of missense changes on protein structure and function are either unavailable or do not agree on the potential impact of this missense change. The variant allele was found at a frequency of 6.9e-06 in 1605378 control chromosomes in the gnomAD database (v4.1 dataset). The observed variant frequency exceeds the estimated maximal expected allele frequency for disease-causing variants in SEPTIN9. To our knowledge, no occurrence of c.322G>A in individuals affected with SEPTIN9-related conditions and no experimental evidence demonstrating its impact on protein function have been reported. ClinVar contains an entry for this variant (Variation ID: 2445567). Based on the evidence outlined above, the variant was classified as likely benign.

Labcorp Genetics (formerly Invitae), Labcorp
Classification: Uncertain significance. Last evaluated: 2023-03-14. Review status: criteria provided, single submitter. Criteria: Invitae Variant Classification Sherloc (09022015). Collection method: clinical testing. Allele origin: germline.
Comment: Advanced modeling of protein sequence and biophysical properties (such as structural, functional, and spatial information, amino acid conservation, physicochemical variation, residue mobility, and thermodynamic stability) performed at Invitae indicates that this missense variant is not expected to disrupt SEPT9 protein function. In summary, the available evidence is currently insufficient to determine the role of this variant in disease. Therefore, it has been classified as a Variant of Uncertain Significance. This variant has not been reported in the literature in individuals affected with SEPT9-related conditions. This sequence change replaces glycine, which is neutral and non-polar, with serine, which is neutral and polar, at codon 108 of the SEPT9 protein (p.Gly108Ser). This variant is present in population databases (rs757364290, gnomAD 0.005%).